The following is an entry in ClinVar:

ClinVar aggregate classification (germline): Conflicting classifications of pathogenicity. Review status: criteria provided, conflicting classifications (1 of 4 stars). 5 submissions from 5 submitters: Pathogenic (2); Likely benign (1). 2 of the submissions do not count toward it. Last evaluated 2019-07-11.

Conditions:
Inborn genetic diseases. Identifiers: MedGen C0950123, MeSH D030342.
Infantile-onset X-linked spinal muscular atrophy. Also called: Spinal muscular atrophy, X-linked 2; Spinal Muscular Atrophy, X-Linked Infantile; SPINAL MUSCULAR ATROPHY, X-LINKED LETHAL INFANTILE; AMC, DISTAL, X-LINKED; ARTHROGRYPOSIS, X-LINKED, TYPE I. Identifiers: Orphanet 1145, MedGen C1844934, MONDO:0010532, OMIM 301830.

Submissions (5):

Ambry Genetics
Classification: Likely benign for Inborn genetic diseases. Last evaluated: 2019-07-11. Review status: criteria provided, single submitter. Criteria: Ambry Variant Classification Scheme 2023. Collection method: clinical testing. Allele origin: germline.

Clinical Genetics Service, Universitary Hospital 12 de Octubre
Classification: Pathogenic for Infantile-onset X-linked spinal muscular atrophy. Review status: criteria provided, single submitter. Criteria: ACMG Guidelines, 2015. Collection method: clinical testing. Allele origin: maternal. Affected: yes.

Rady Children's Institute for Genomic Medicine, Rady Children's Hospital San Diego
Classification: Pathogenic for SPINAL MUSCULAR ATROPHY, X-LINKED 2. Review status: criteria provided, single submitter. Criteria: ACMG Guidelines, 2015. Collection method: clinical testing. Allele origin: germline. Affected: yes.
Comment: This synonymous variant has been previously reported as a hemizygous and de novo change in multiple unrelated males with X-linked spinal muscular atrophy (SMAX2) (MIM: #301830, PMID: 18179898, 26028276, 8528211). Analysis of blood cells from an affected individual harboring this variant demonstrated reduced UBA1 expression relative to healthy controls (PMID: 18179898). Bisulfite sequencing demonstrated that the c.1731C>T variant resulted in the loss of one CpG dinucleotide methylation site within a CpG island of 13 methylation sites located in exon 15 (PMID: 18179898). It is absent from the gnomAD population database and thus is presumed to be rare. Based on the available evidence, the c.1731C>T (p.Asn577Asn) variant is classified as Pathogenic.

OMIM
Classification: Pathogenic for SPINAL MUSCULAR ATROPHY, X-LINKED 2. Last evaluated: 2008-01-01. Review status: no assertion criteria provided. Collection method: literature only. Allele origin: germline. Not counted in ClinVar's aggregate classification.

GeneReviews
No classification provided. Condition: Infantile-onset X-linked spinal muscular atrophy. Review status: no classification provided. Collection method: literature only. Allele origin: unknown. Not counted in ClinVar's aggregate classification.

Literature cited by the submitters: PubMed 18179898 (cited by OMIM and GeneReviews); PubMed 20301739 (cited by GeneReviews); NCBI Bookshelf NBK2594 (cited by GeneReviews).

NM_003334.4(UBA1):c.1731C>T (p.Asn577=)

Gene: UBA1 (ubiquitin like modifier activating enzyme 1; plus strand). Cytogenetic location: Xp11.3.
Variant type: single nucleotide variant.
Coding change: c.1731C>T on transcript NM_003334.4 (MANE Select); coding-DNA position 1731, C replaced by T.
Protein change: p.Asn577=; no amino-acid change (asparagine 577 retained).
Molecular consequence: synonymous variant.
Genome position (GRCh38, 1-based): chrX:47,206,103, C>T. VCF-style: chrX-47206103-C-T. GRCh37 (hg19) VCF-style: chrX-47065502-C-T.
Other names: c.1731C>T, p.Asn577= (NM_153280.3).
Identifiers: ClinVar variation 9782 (VCV000009782.8), dbSNP rs80356547, ClinGen allele CA340955.